The following is an entry in ClinVar:

NM_000492.4(CFTR):c.1990G>C (p.Glu664Gln)

Gene: CFTR (CF transmembrane conductance regulator; plus strand). Cytogenetic location: 7q31.2.
Variant type: single nucleotide variant.
Coding change: c.1990G>C on transcript NM_000492.4 (MANE Select); coding-DNA position 1990, G replaced by C.
Protein change: p.Glu664Gln; replaces glutamic acid 664 with glutamine.
Molecular consequence: missense variant.
Genome position (GRCh38, 1-based): chr7:117,592,157, G>C. VCF-style: chr7-117592157-G-C. GRCh37 (hg19) VCF-style: chr7-117232211-G-C.
Other names: short protein forms E664Q.
Identifiers: ClinVar variation 1783970 (VCV001783970.5), dbSNP rs397508327, ClinGen allele CA368979148.

ClinVar aggregate classification (germline): Uncertain significance. Review status: criteria provided, multiple submitters, no conflicts (2 of 4 stars). 2 submissions from 2 submitters: Uncertain significance (2). Last evaluated 2025-08-06.

Conditions:
Cystic fibrosis (CF). Also called: MUCOVISCIDOSIS. Identifiers: Orphanet 586, MedGen C0010674, MONDO:0009061, OMIM 219700. Disease mechanism: loss of function.

Allele frequency attached by ClinVar (database versions not stated): TOPMed below 0.00001.

Submissions (2):

Labcorp Genetics (formerly Invitae), Labcorp
Classification: Uncertain significance for Cystic fibrosis. Last evaluated: 2025-08-06. Review status: criteria provided, single submitter. Criteria: Invitae Variant Classification Sherloc (09022015). Collection method: clinical testing. Allele origin: germline.
Comment: This sequence change replaces glutamic acid, which is acidic and polar, with glutamine, which is neutral and polar, at codon 664 of the CFTR protein (p.Glu664Gln). This variant is not present in population databases (gnomAD no frequency). This variant has not been reported in the literature in individuals affected with CFTR-related conditions. ClinVar contains an entry for this variant (Variation ID: 1783970). Invitae Evidence Modeling of protein sequence and biophysical properties (such as structural, functional, and spatial information, amino acid conservation, physicochemical variation, residue mobility, and thermodynamic stability) indicates that this missense variant is expected to disrupt CFTR protein function with a positive predictive value of 80%. In summary, the available evidence is currently insufficient to determine the role of this variant in disease. Therefore, it has been classified as a Variant of Uncertain Significance.

Ambry Genetics
Classification: Uncertain significance for Cystic fibrosis. Last evaluated: 2022-01-16. Review status: criteria provided, single submitter. Criteria: Ambry Variant Classification Scheme 2023. Collection method: clinical testing. Allele origin: germline.
Comment: The p.E664Q variant (also known as c.1990G>C), located in coding exon 14 of the CFTR gene, results from a G to C substitution at nucleotide position 1990. The glutamic acid at codon 664 is replaced by glutamine, an amino acid with highly similar properties. This amino acid position is conserved. In addition, this alteration is predicted to be deleterious by in silico analysis. Since supporting evidence is limited at this time, the clinical significance of this alteration remains unclear.